The following is an entry in ClinVar:

NM_000135.4(FANCA):c.383C>T (p.Pro128Leu)

Gene: FANCA (FA complementation group A; minus strand). Cytogenetic location: 16q24.3.
Variant type: single nucleotide variant.
Coding change: c.383C>T on transcript NM_000135.4 (MANE Select); coding-DNA position 383, C replaced by T.
Protein change: p.Pro128Leu; replaces proline 128 with leucine.
Molecular consequence: missense variant.
Genome position (GRCh38, 1-based): chr16:89,810,972, G>A on the plus strand (C>T on the coding strand, the complement: FANCA is on the minus strand). VCF-style: chr16-89810972-G-A. GRCh37 (hg19) VCF-style: chr16-89877380-G-A.
Other names: c.383C>T, p.Pro128Leu (NM_001018112.3, NM_001286167.3, NM_001351830.2); short protein forms P128L.
Identifiers: ClinVar variation 3848102 (VCV003848102.1).

ClinVar aggregate classification (germline): Uncertain significance (1 of 4 stars; one submission).

Conditions:
Inborn genetic diseases. Identifiers: MedGen C0950123, MeSH D030342.

Submission:

Ambry Genetics
Classification: Uncertain significance for Inborn genetic diseases. Last evaluated: 2025-01-10. Review status: criteria provided, single submitter. Criteria: Ambry Variant Classification Scheme 2023. Collection method: clinical testing. Allele origin: germline.
Comment: The p.P128L variant (also known as c.383C>T), located in coding exon 4 of the FANCA gene, results from a C to T substitution at nucleotide position 383. The proline at codon 128 is replaced by leucine, an amino acid with similar properties. This amino acid position is conserved. In addition, this alteration is predicted to be tolerated by in silico analysis. Based on the available evidence, the clinical significance of this variant remains unclear.